The following is an entry in ClinVar:

ClinVar aggregate classification (germline): Uncertain significance (1 of 4 stars; one submission).

Conditions:
Familial adenomatous polyposis 1 (FAP1). Also called: FAMILIAL ADENOMATOUS POLYPOSIS 1, ATTENUATED; POLYPOSIS, ADENOMATOUS INTESTINAL. Identifiers: MedGen C2713442, MONDO:0021056, OMIM 175100. Disease mechanism: loss of function.

Submission:

Labcorp Genetics (formerly Invitae), Labcorp
Classification: Uncertain significance for Familial adenomatous polyposis 1. Last evaluated: 2019-11-27. Review status: criteria provided, single submitter. Criteria: Invitae Variant Classification Sherloc (09022015). Collection method: clinical testing. Allele origin: germline.
Comment: This sequence change replaces lysine with glutamic acid at codon 1139 of the APC protein (p.Lys1139Glu). The lysine residue is highly conserved and there is a small physicochemical difference between lysine and glutamic acid. In summary, the available evidence is currently insufficient to determine the role of this variant in disease. Therefore, it has been classified as a Variant of Uncertain Significance. Algorithms developed to predict the effect of missense changes on protein structure and function are either unavailable or do not agree on the potential impact of this missense change (SIFT: "Tolerated"; PolyPhen-2: "Probably Damaging"; Align-GVGD: "Class C0"). This variant has not been reported in the literature in individuals with APC-related conditions. This variant is not present in population databases (ExAC no frequency).

NM_000038.6(APC):c.3415A>G (p.Lys1139Glu)

Gene: APC (APC regulator of Wnt signaling pathway; plus strand). Cytogenetic location: 5q22.2.
Variant type: single nucleotide variant.
Coding change: c.3415A>G on transcript NM_000038.6 (MANE Select); coding-DNA position 3415, A replaced by G.
Protein change: p.Lys1139Glu; replaces lysine 1139 with glutamic acid.
Molecular consequence: missense variant.
Genome position (GRCh38, 1-based): chr5:112,839,009, A>G. VCF-style: chr5-112839009-A-G. GRCh37 (hg19) VCF-style: chr5-112174706-A-G.
Other names: c.3415A>G, p.Lys1139Glu (NM_001127510.3, NM_001354895.2); c.3361A>G, p.Lys1121Glu (NM_001127511.3); c.3469A>G, p.Lys1157Glu (NM_001354896.2); c.3445A>G, p.Lys1149Glu (NM_001354897.2); c.3340A>G, p.Lys1114Glu (NM_001354898.2); c.3331A>G, p.Lys1111Glu (NM_001354899.2); c.3292A>G, p.Lys1098Glu (NM_001354900.2); c.3238A>G, p.Lys1080Glu (NM_001354901.2); and 5 more; short protein forms K1038E, K1080E, K1098E, K1114E, K1139E, K1157E, K979E, K1048E.
Identifiers: ClinVar variation 840675 (VCV000840675.11), dbSNP rs201550951, ClinGen allele CA16028818.